The following is an entry in ClinVar:

ClinVar aggregate classification (germline): Likely pathogenic (1 of 4 stars; one submission).

Conditions:
Inborn genetic diseases. Identifiers: MedGen C0950123, MeSH D030342.

Submission:

Ambry Genetics
Classification: Likely pathogenic for Inborn genetic diseases. Last evaluated: 2022-03-08. Review status: criteria provided, single submitter. Criteria: Ambry Variant Classification Scheme 2023. Collection method: clinical testing. Allele origin: germline.
Comment: The c.6008delA (p.K2003Rfs*18) alteration, located in exon 20 (coding exon 20) of the ARID1B gene, consists of a deletion of one nucleotide at position 6008, causing a translational frameshift with a predicted alternate stop codon after 18 amino acids. This alteration occurs at the 3' terminus of the ARID1B gene, is not expected to trigger nonsense-mediated mRNA decay, and impacts the last 11% of the protein. However, premature stop codons are typically deleterious in nature and a significant portion of the protein is affected (Ambry internal data). This variant was not reported in population-based cohorts in the Genome Aggregation Database (gnomAD). Based on the available evidence, this alteration is classified as likely pathogenic.

NM_001374828.1(ARID1B):c.6377del (p.Lys2126fs)

Gene: ARID1B (AT-rich interaction domain 1B; plus strand). Cytogenetic location: 6q25.3.
Variant type: Deletion.
Coding change: c.6377del on transcript NM_001374828.1 (MANE Select); coding-DNA position 6377, one base deleted (A; older notation c.6377delA).
Protein change: p.Lys2126fs; shifts the reading frame from lysine 2126.
Molecular consequence: frameshift variant.
Genome position (GRCh38, 1-based): chr6:157,207,149, A deleted; the last of 2 consecutive A bases (chr6:157,207,148-157,207,149); deleting either gives the same sequence. VCF-style (leftmost placement, unchanged base first): chr6-157207147-CA-C. GRCh37 (hg19) VCF-style: chr6-157528281-CA-C.
Other names: c.6128delA, p.Lys2043Argfs (NM_001346813.1); c.3878del, p.Lys1293fs (NM_001363725.2); c.6257del, p.Lys2086fs (NM_001371656.1, NM_001374820.1); c.6218del, p.Lys2073fs (NM_017519.3); c.6008delA, p.Lys2003Argfs (NM_020732.3); c.5795delA, p.Lys1932Argfs (NM_175863.2); short protein forms K2126fs, K1293fs, K2073fs, K2086fs.
Identifiers: ClinVar variation 2274904 (VCV002274904.2), dbSNP rs2128396622, ClinGen allele CA2580075269.